The following is an entry in ClinVar:

NM_022124.6(CDH23):c.4207-1G>C

Genes: C10orf105 (chromosome 10 open reading frame 105; minus strand), CDH23 (cadherin related 23; plus strand). Cytogenetic location: 10q22.1.
Variant type: single nucleotide variant.
Coding change: c.4207-1G>C on transcript NM_022124.6 (MANE Select); the canonical splice acceptor site of the intron before coding-DNA position 4207, G replaced by C.
Molecular consequence: splice acceptor variant. On other transcripts: intron variant (1).
Genome position (GRCh38, 1-based): chr10:71,734,655, G>C. VCF-style: chr10-71734655-G-C. GRCh37 (hg19) VCF-style: chr10-73494412-G-C.
Other names: c.-6+3073C>G (NM_001168390.2).
Identifiers: ClinVar variation 1519855 (VCV001519855.9), dbSNP rs1589384720, ClinGen allele CA377158603.
Genomic context (GRCh38, chr10:71,734,655, plus strand): 5'-CTAACCATTTGCATCTTTGCCTTTTCTCTCACTCCCCTCCTGCTGCTGCCTCTGCCTACA[G>C]AAGGTGAGTAGCCTGTGGCTGGAGCTTCCCCTGTGCTGTTGGCTGTGGCCAGTGCTGGCC-3'

ClinVar aggregate classification (germline): Likely pathogenic. Review status: criteria provided, multiple submitters, no conflicts (2 of 4 stars). 2 submissions from 2 submitters: Likely pathogenic (2). Last evaluated 2025-12-04.

Conditions:
CDH23-related disorder. Also called: CDH23-related condition; CDH23-related disorders.

Allele frequency attached by ClinVar (database versions not stated): gnomAD exomes below 0.00001; TOPMed below 0.00001.
gnomAD v4.1: 1 of 1,465,370 alleles (0.000068%); highest among the groups gnomAD compares: Non-Finnish European, 0.000092%; no homozygotes.

Submissions (2):

PreventionGenetics, part of Exact Sciences
Classification: Likely pathogenic for CDH23-related condition. Last evaluated: 2025-12-04. Review status: criteria provided, single submitter. Criteria: ACMG Guidelines, 2015. Collection method: clinical testing. Allele origin: germline.
Comment: The CDH23 c.4207-1G>C variant is predicted to disrupt the AG splice acceptor site and interfere with normal splicing. To our knowledge, this variant has not been reported in the literature or in a large population database, indicating this variant is rare. Variants that disrupt the consensus splice acceptor site in CDH23 are expected to be pathogenic. This variant is interpreted as likely pathogenic.

Labcorp Genetics (formerly Invitae), Labcorp
Classification: Likely pathogenic. Last evaluated: 2024-01-04. Review status: criteria provided, single submitter. Criteria: Invitae Variant Classification Sherloc (09022015). Collection method: clinical testing. Allele origin: germline.
Comment: This sequence change affects an acceptor splice site in intron 33 of the CDH23 gene. It is expected to disrupt RNA splicing. Variants that disrupt the donor or acceptor splice site typically lead to a loss of protein function (PMID: 16199547), and loss-of-function variants in CDH23 are known to be pathogenic (PMID: 11138009, 21940737). This variant is not present in population databases (gnomAD no frequency). This variant has not been reported in the literature in individuals affected with CDH23-related conditions. ClinVar contains an entry for this variant (Variation ID: 1519855). Algorithms developed to predict the effect of sequence changes on RNA splicing suggest that this variant may disrupt the consensus splice site. In summary, the currently available evidence indicates that the variant is pathogenic, but additional data are needed to prove that conclusively. Therefore, this variant has been classified as Likely Pathogenic.

Literature cited by the submitters: PubMed 16199547 (cited by Labcorp Genetics (formerly Invitae), Labcorp); PubMed 11138009 (cited by Labcorp Genetics (formerly Invitae), Labcorp); PubMed 21940737 (cited by Labcorp Genetics (formerly Invitae), Labcorp).